The following is an entry in ClinVar:

NM_000260.4(MYO7A):c.63C>T (p.Asp21=)

Gene: MYO7A (myosin VIIA; plus strand). Cytogenetic location: 11q13.5.
Variant type: single nucleotide variant.
Coding change: c.63C>T on transcript NM_000260.4 (MANE Select); coding-DNA position 63, C replaced by T.
Protein change: p.Asp21=; no amino-acid change (aspartic acid 21 retained).
Molecular consequence: synonymous variant.
Genome position (GRCh38, 1-based): chr11:77,142,753, C>T. VCF-style: chr11-77142753-C-T. GRCh37 (hg19) VCF-style: chr11-76853799-C-T.
Other names: c.63C>T, p.Asp21= (NM_001127180.2); c.30C>T, p.Asp10= (NM_001369365.1); c.63C>T (NM_000260.3).
Identifiers: ClinVar variation 1084902 (VCV001084902.11), dbSNP rs782795012, ClinGen allele CA6197016.

ClinVar aggregate classification (germline): Likely benign. Review status: criteria provided, multiple submitters, no conflicts (2 of 4 stars). 3 submissions from 3 submitters: Likely benign (3). Last evaluated 2025-12-03.

Conditions:
MYO7A-related disorder. Also called: MYO7A-related disorders.

Allele frequency attached by ClinVar (database versions not stated): gnomAD exomes 0.00001; ExAC 0.00002; gnomAD 0.00007 and 0.00008; TOPMed 0.00015.
gnomAD v4.1: 29 of 1,611,998 alleles (0.0018%); highest among the groups gnomAD compares: Admixed American, 0.0084%; no homozygotes.

Submissions (3):

Labcorp Genetics (formerly Invitae), Labcorp
Classification: Likely benign. Last evaluated: 2025-12-03. Review status: criteria provided, single submitter. Criteria: Invitae Variant Classification Sherloc (09022015). Collection method: clinical testing. Allele origin: germline.

PreventionGenetics, part of Exact Sciences
Classification: Likely benign for MYO7A-related condition. Last evaluated: 2024-12-12. Review status: criteria provided, single submitter. Criteria: ACMG Guidelines, 2015. Collection method: clinical testing. Allele origin: germline.
Comment: This variant is classified as likely benign based on ACMG/AMP sequence variant interpretation guidelines (Richards et al. 2015 PMID: 25741868, with internal and published modifications).

Blueprint Genetics
Classification: Likely benign. Last evaluated: 2024-01-18. Review status: criteria provided, single submitter. Criteria: ACMG Guidelines, 2015. Collection method: clinical testing. Allele origin: germline.